The following is an entry in ClinVar:

ClinVar aggregate classification (germline): Likely benign. Review status: criteria provided, multiple submitters, no conflicts (2 of 4 stars). 2 submissions from 2 submitters: Likely benign (2). Last evaluated 2026-06-01.

Allele frequency attached by ClinVar (database versions not stated): ExAC 0.00004; gnomAD exomes 0.00004 and 0.00005; gnomAD 0.00006 and 0.00007; TOPMed 0.00008.
gnomAD v4.1: 89 of 1,614,086 alleles (0.0055%); highest among the groups gnomAD compares: Admixed American, 0.0083%; no homozygotes.

Submissions (2):

CeGaT Center for Human Genetics Tuebingen
Classification: Likely benign. Last evaluated: 2026-06-01. Review status: criteria provided, single submitter. Criteria: CeGaT Center For Human Genetics Tuebingen Variant Classification Criteria Version 2. Collection method: clinical testing. Allele origin: germline. Affected: yes. Observed: 1 variant allele.
Comment: BACH2: BP4, BP7

Labcorp Genetics (formerly Invitae), Labcorp
Classification: Likely benign. Last evaluated: 2025-11-03. Review status: criteria provided, single submitter. Criteria: Invitae Variant Classification Sherloc (09022015). Collection method: clinical testing. Allele origin: germline.

NM_021813.4(BACH2):c.582C>T (p.Ala194=)

Gene: BACH2 (BACH transcriptional regulator 2; minus strand). Cytogenetic location: 6q15.
Variant type: single nucleotide variant.
Coding change: c.582C>T on transcript NM_021813.4 (MANE Select); coding-DNA position 582, C replaced by T.
Protein change: p.Ala194=; no amino-acid change (alanine 194 retained).
Molecular consequence: synonymous variant.
Genome position (GRCh38, 1-based): chr6:89,951,524, G>A on the plus strand (C>T on the coding strand, the complement: BACH2 is on the minus strand). VCF-style: chr6-89951524-G-A. GRCh37 (hg19) VCF-style: chr6-90661243-G-A.
Other names: c.582C>T, p.Ala194= (NM_001170794.2).
Identifiers: ClinVar variation 1597318 (VCV001597318.11), dbSNP rs778129101, ClinGen allele CA3928143.